The following is an entry in ClinVar:

NM_002834.5(PTPN11):c.380C>T (p.Thr127Ile)

Gene: PTPN11 (protein tyrosine phosphatase non-receptor type 11; plus strand). Cytogenetic location: 12q24.13.
Variant type: single nucleotide variant.
Coding change: c.380C>T on transcript NM_002834.5 (MANE Select); coding-DNA position 380, C replaced by T.
Protein change: p.Thr127Ile; replaces threonine 127 with isoleucine.
Molecular consequence: missense variant.
Genome position (GRCh38, 1-based): chr12:112,453,242, C>T. VCF-style: chr12-112453242-C-T. GRCh37 (hg19) VCF-style: chr12-112891046-C-T.
Other names: c.380C>T, p.Thr127Ile (NM_001330437.2, NM_080601.3); c.377C>T, p.Thr126Ile (NM_001374625.1); short protein forms T126I, T127I.
Identifiers: ClinVar variation 4803086 (VCV004803086.1).

ClinVar aggregate classification (germline): Uncertain significance (1 of 4 stars; one submission).

Conditions:
RASopathy. Also called: rasopathies; Noonan spectrum disorder. Identifiers: Orphanet 536391, MedGen C5555857, MONDO:0021060.

Submission:

Labcorp Genetics (formerly Invitae), Labcorp
Classification: Uncertain significance for RASopathy. Last evaluated: 2025-09-14. Review status: criteria provided, single submitter. Criteria: Invitae Variant Classification Sherloc (09022015). Collection method: clinical testing. Allele origin: germline.
Comment: This sequence change replaces threonine, which is neutral and polar, with isoleucine, which is neutral and non-polar, at codon 127 of the PTPN11 protein (p.Thr127Ile). This variant is not present in population databases (gnomAD no frequency). This missense change has been observed in individual(s) with PTPN11-related conditions (PMID: 33898683). In at least one individual the variant was observed to be de novo. Invitae Evidence Modeling of protein sequence and biophysical properties (such as structural, functional, and spatial information, amino acid conservation, physicochemical variation, residue mobility, and thermodynamic stability) has been performed for this missense variant. However, the output from this modeling did not meet the statistical confidence thresholds required to predict the impact of this variant on PTPN11 protein function. In summary, the available evidence is currently insufficient to determine the role of this variant in disease. Therefore, it has been classified as a Variant of Uncertain Significance.

Literature cited by the submitters: PubMed 33898683.